The following is an entry in ClinVar:

NM_018946.4(NANS):c.829A>G (p.Thr277Ala)

Genes: NANS (N-acetylneuraminate synthase; plus strand), TRIM14 (tripartite motif containing 14; minus strand). Cytogenetic location: 9q22.33.
Variant type: single nucleotide variant.
Coding change: c.829A>G on transcript NM_018946.4 (MANE Select); coding-DNA position 829, A replaced by G.
Protein change: p.Thr277Ala; replaces threonine 277 with alanine.
Molecular consequence: missense variant.
Genome position (GRCh38, 1-based): chr9:98,081,041, A>G. VCF-style: chr9-98081041-A-G. GRCh37 (hg19) VCF-style: chr9-100843323-A-G.
Other names: c.829A>G (NM_018946.3); short protein forms T277A.
Identifiers: ClinVar variation 2166500 (VCV002166500.4), dbSNP rs745933894, ClinGen allele CA5150397.

ClinVar aggregate classification (germline): Uncertain significance. Review status: criteria provided, multiple submitters, no conflicts (2 of 4 stars). 2 submissions from 2 submitters: Uncertain significance (2). Last evaluated 2025-10-30.

Conditions:
Inborn genetic diseases. Identifiers: MedGen C0950123, MeSH D030342.

Allele frequency attached by ClinVar (database versions not stated): gnomAD 0.00002; gnomAD exomes 0.00002; TOPMed 0.00002; ExAC 0.00007.
gnomAD v4.1: 31 of 1,614,008 alleles (0.0019%); highest among the groups gnomAD compares: Middle Eastern, 0.033%; no homozygotes.

Submissions (2):

Ambry Genetics
Classification: Uncertain significance for Inborn genetic diseases. Last evaluated: 2025-10-30. Review status: criteria provided, single submitter. Criteria: Ambry Variant Classification Scheme 2023. Collection method: clinical testing. Allele origin: germline.

Labcorp Genetics (formerly Invitae), Labcorp
Classification: Uncertain significance. Last evaluated: 2025-05-05. Review status: criteria provided, single submitter. Criteria: Invitae Variant Classification Sherloc (09022015). Collection method: clinical testing. Allele origin: germline.
Comment: This sequence change replaces threonine, which is neutral and polar, with alanine, which is neutral and non-polar, at codon 277 of the NANS protein (p.Thr277Ala). This variant is present in population databases (rs745933894, gnomAD 0.009%). This variant has not been reported in the literature in individuals affected with NANS-related conditions. ClinVar contains an entry for this variant (Variation ID: 2166500). An algorithm developed to predict the effect of missense changes on protein structure and function outputs the following: PolyPhen-2: "Benign". The alanine amino acid residue is found in multiple mammalian species, which suggests that this missense change does not adversely affect protein function. In summary, the available evidence is currently insufficient to determine the role of this variant in disease. Therefore, it has been classified as a Variant of Uncertain Significance.